The following is an entry in ClinVar:

NM_031433.4(MFRP):c.137G>A (p.Ser46Asn)

Genes: C1QTNF5 (C1q and TNF related 5; minus strand), MFRP (membrane frizzled-related protein; minus strand). Cytogenetic location: 11q23.3.
Variant type: single nucleotide variant.
Coding change: c.137G>A on transcript NM_031433.4 (MANE Select); coding-DNA position 137, G replaced by A.
Protein change: p.Ser46Asn; replaces serine 46 with asparagine.
Molecular consequence: missense variant. On other transcripts: 5 prime UTR variant (1).
Genome position (GRCh38, 1-based): chr11:119,346,292, C>T on the plus strand (G>A on the coding strand, the complement: MFRP is on the minus strand). VCF-style: chr11-119346292-C-T. GRCh37 (hg19) VCF-style: chr11-119217002-C-T.
Other names: c.-2500G>A (NM_015645.5); short protein forms S46N.
Identifiers: ClinVar variation 1469808 (VCV001469808.6), dbSNP rs906518220, ClinGen allele CA229678522.
Genomic context (GRCh38, chr11:119,346,292, plus strand): 5'-CCTCTCTGTCCTCCCCCAGGTCACCCCCTGGGATGGTTACCATGCCAGGGAGCTGGGACG[C>T]TGTAGCTGGCATCCTCTGGGAAAACTGGGGGAGGGCAGGGTGGCCCAGACTCAGGCTCGA-3'
Protein context (NP_113621.1, residues 36-56): PPVFPEDASY[Ser46Asn]VPAPWHGRRP

ClinVar aggregate classification (germline): Uncertain significance (1 of 4 stars; one submission).

Conditions:
Isolated microphthalmia 5. Also called: Posterior Microphthalmia with Retinitis Pigmentosa, Foveoschisis, and Optic Disc Drusen. Identifiers: Orphanet 251279, MedGen C1970236, MONDO:0012605, OMIM 611040.

Allele frequency attached by ClinVar (database versions not stated): gnomAD exomes below 0.00001.
gnomAD v4.1: 2 of 1,613,668 alleles (0.00012%); highest among the groups gnomAD compares: Admixed American, 0.0033%; no homozygotes.

Submission:

Labcorp Genetics (formerly Invitae), Labcorp
Classification: Uncertain significance for Isolated microphthalmia 5. Last evaluated: 2025-03-10. Review status: criteria provided, single submitter. Criteria: Invitae Variant Classification Sherloc (09022015). Collection method: clinical testing. Allele origin: germline.
Comment: This sequence change replaces serine, which is neutral and polar, with asparagine, which is neutral and polar, at codon 46 of the MFRP protein (p.Ser46Asn). This variant is not present in population databases (gnomAD no frequency). This variant has not been reported in the literature in individuals affected with MFRP-related conditions. ClinVar contains an entry for this variant (Variation ID: 1469808). Invitae Evidence Modeling of protein sequence and biophysical properties (such as structural, functional, and spatial information, amino acid conservation, physicochemical variation, residue mobility, and thermodynamic stability) indicates that this missense variant is not expected to disrupt MFRP protein function with a negative predictive value of 80%. In summary, the available evidence is currently insufficient to determine the role of this variant in disease. Therefore, it has been classified as a Variant of Uncertain Significance.